The following is an entry in ClinVar:

NM_001970.5(EIF5A):c.189C>G (p.Ile63Met)

Gene: EIF5A (eukaryotic translation initiation factor 5A; plus strand). Cytogenetic location: 17p13.1.
Variant type: single nucleotide variant.
Coding change: c.189C>G on transcript NM_001970.5 (MANE Select); coding-DNA position 189, C replaced by G.
Protein change: p.Ile63Met; replaces isoleucine 63 with methionine.
Molecular consequence: missense variant.
Genome position (GRCh38, 1-based): chr17:7,311,041, C>G. VCF-style: chr17-7311041-C-G. GRCh37 (hg19) VCF-style: chr17-7214360-C-G.
Other names: c.279C>G, p.Ile93Met (NM_001143760.1); c.189C>G, p.Ile63Met (NM_001143761.1, NM_001143762.2, NM_001370420.1 and 1 more transcripts); short protein forms I63M, I93M.
Identifiers: ClinVar variation 5039987 (VCV005039987.1).

ClinVar aggregate classification (germline): Uncertain significance (1 of 4 stars; one submission).

Submission:

CeGaT Center for Human Genetics Tuebingen
Classification: Uncertain significance. Last evaluated: 2026-07-01. Review status: criteria provided, single submitter. Criteria: CeGaT Center For Human Genetics Tuebingen Variant Classification Criteria Version 2. Collection method: clinical testing. Allele origin: germline. Affected: yes. Observed: 1 variant allele.
Comment: EIF5A: PM2, PP2